The following is an entry in ClinVar:

NM_198904.4(GABRG2):c.11C>T (p.Pro4Leu)

Gene: GABRG2 (gamma-aminobutyric acid type A receptor subunit gamma2; plus strand). Cytogenetic location: 5q34.
Variant type: single nucleotide variant.
Coding change: c.11C>T on transcript NM_198904.4 (MANE Select); coding-DNA position 11, C replaced by T.
Protein change: p.Pro4Leu; replaces proline 4 with leucine.
Molecular consequence: missense variant. On other transcripts: 5 prime UTR variant (3), intron variant (3).
Genome position (GRCh38, 1-based): chr5:162,068,010, C>T. VCF-style: chr5-162068010-C-T. GRCh37 (hg19) VCF-style: chr5-161495016-C-T.
Other names: p.P4L:CCA>CTA; c.11C>T, p.Pro4Leu (NM_000816.3, NM_001375339.1, NM_001375340.1 and 5 more transcripts); c.-348C>T (NM_001375348.1, NM_001375350.1); c.-396C>T (NM_001375349.1); c.-3-53C>T (NM_001375346.1, NM_001375345.1); c.20+369C>T (NM_001375347.1); short protein forms P4L.
Identifiers: ClinVar variation 205557 (VCV000205557.17), dbSNP rs375295110, ClinGen allele CA314756.
Genomic context (GRCh38, chr5:162,068,010, plus strand): 5'-TCTTCTGCAACCAAGAGGCAAGAGGCGAGAGAAGGAAAAAAAAAAAAGCGATGAGTTCGC[C>T]AAATATATGGAGCACAGGAAGCTCAGTCTACTCGACTCCTGTATTTTCACAGAAAATGAC-3'
Protein context (NP_944494.1, residues 1-14): MSS[Pro4Leu]NIWSTGSSVY

ClinVar aggregate classification (germline): Conflicting classifications of pathogenicity. Review status: criteria provided, conflicting classifications (1 of 4 stars). 5 submissions from 5 submitters: Uncertain significance (1); Likely benign (3). 1 of the submissions does not count toward it. Last evaluated 2026-04-06.

Conditions:
GABRG2-related disorder. Also called: GABRG2-related condition.
Inborn genetic diseases. Identifiers: MedGen C0950123, MeSH D030342.
EPILEPSY, CHILDHOOD ABSENCE, SUSCEPTIBILITY TO, 2 (ECA2). Identifiers: Orphanet 64280, MedGen C1843244, OMIM 607681.
Febrile seizures, familial, 8 (FEB8). Also called: CONVULSIONS, FAMILIAL FEBRILE, 8. Identifiers: Orphanet 36387, MedGen C1969810, MONDO:0011891, OMIM 607681.

Allele frequency attached by ClinVar (database versions not stated): gnomAD 0.00013 and 0.00014; TOPMed 0.00015; ESP Exome Variant Server 0.00023.
gnomAD v4.1: 34 of 1,612,414 alleles (0.0021%); highest among the groups gnomAD compares: African/African-American, 0.036%; no homozygotes.

Submissions (5):

Women's Health and Genetics/Laboratory Corporation of America, LabCorp
Classification: Uncertain significance. Last evaluated: 2026-04-06. Review status: criteria provided, single submitter. Criteria: LabCorp Variant Classification Summary - May 2015. Collection method: clinical testing. Allele origin: germline.
Comment: Variant summary: GABRG2 c.11C>T (p.Pro4Leu) results in a non-conservative amino acid change in the encoded protein sequence. Algorithms developed to predict the effect of missense changes on protein structure and function are either unavailable or do not agree on the potential impact of this missense change. The variant allele was found at a frequency of 4.8e-05 in 250926 control chromosomes. This frequency is not significantly higher than estimated for disease-causing variants in GABRG2, allowing no conclusion about variant significance. To our knowledge, no occurrence of c.11C>T in individuals affected with GABRG2-related conditions and no experimental evidence demonstrating its impact on protein function have been reported. ClinVar contains an entry for this variant (Variation ID: 205557). Based on the evidence outlined above, the variant was classified as uncertain significance.

Labcorp Genetics (formerly Invitae), Labcorp
Classification: Likely benign for Febrile seizures, familial, 8; EPILEPSY, CHILDHOOD ABSENCE, SUSCEPTIBILITY TO, 2. Last evaluated: 2025-07-27. Review status: criteria provided, single submitter. Criteria: Invitae Variant Classification Sherloc (09022015). Collection method: clinical testing. Allele origin: germline.

GeneDx
Classification: Likely benign. Last evaluated: 2021-05-20. Review status: criteria provided, single submitter. Criteria: GeneDx Variant Classification Process June 2021. Collection method: clinical testing. Allele origin: germline. Affected: yes.

Ambry Genetics
Classification: Likely benign for Inborn genetic diseases. Last evaluated: 2019-02-26. Review status: criteria provided, single submitter. Criteria: Ambry Variant Classification Scheme 2023. Collection method: clinical testing. Allele origin: germline.

PreventionGenetics, part of Exact Sciences
Classification: Likely benign for GABRG2-related condition. Last evaluated: 2022-04-20. Review status: no assertion criteria provided. Collection method: clinical testing. Allele origin: germline. Not counted in ClinVar's aggregate classification.
Comment: This variant is classified as likely benign based on ACMG/AMP sequence variant interpretation guidelines (Richards et al. 2015 PMID: 25741868, with internal and published modifications).